The following is an entry in ClinVar:

ClinVar aggregate classification (germline): Uncertain significance. Review status: criteria provided, single submitter (1 of 4 stars). 2 submissions from 1 submitter: Uncertain significance (2). Last evaluated 2020-07-14.

Conditions:
Intellectual developmental disorder, X-linked 1. Also called: Atkin Flaitz Patil Smith syndrome; MENTAL RETARDATION, X-LINKED 18; MENTAL RETARDATION, X-LINKED 78; Intellectual disability, X-linked 1. Identifiers: Orphanet 777, MedGen C2931498, MONDO:0010656, OMIM 309530.
Congenital muscular hypertrophy-cerebral syndrome (CDLS2). Also called: SMC1A-Related Cornelia de Lange Syndrome; Cornelia de Lange syndrome 2. Identifiers: Orphanet 199, MedGen C1802395, MONDO:0010370, OMIM 300590.

Submissions (2):

Labcorp Genetics (formerly Invitae), Labcorp
Classification: Uncertain significance for Intellectual developmental disorder, X-linked 1. Last evaluated: 2020-07-14. Review status: criteria provided, single submitter. Criteria: Invitae Variant Classification Sherloc (09022015). Collection method: clinical testing. Allele origin: germline.
Comment: This variant has not been reported in the literature in individuals with IQSEC2-related conditions. In summary, the available evidence is currently insufficient to determine the role of this variant in disease. Therefore, it has been classified as a Variant of Uncertain Significance. This variant results in a copy number gain of the genomic region encompassing exons 1-8 of the IQSEC2 gene, which includes the initiator codon. The 5' end of this event is unknown as it extends beyond the assayed region for this gene and therefore may encompass additional genes. The 3' boundary is likely confined to intron 8 of the IQSEC2 gene. As the precise location of this event is unknown, it may be in tandem or it may be located elsewhere in the genome.

Labcorp Genetics (formerly Invitae), Labcorp
Classification: Uncertain significance for Congenital muscular hypertrophy-cerebral syndrome. Last evaluated: 2019-10-30. Review status: criteria provided, single submitter. Criteria: Invitae Variant Classification Sherloc (09022015). Collection method: clinical testing. Allele origin: germline.
Comment: This variant results in a copy number gain of the genomic region encompassing the full coding sequence of the SMC1A gene. The boundaries of this event are unknown as they extend beyond the assayed region for this gene and therefore may encompass additional genes. As the precise location of this event is unknown, it may be in tandem or it may be located elsewhere in the genome. Isolated whole-gene copy number gains of SMC1A have not been reported in the literature. However, larger copy number events that include this gene have been reported (PMID: 23683030, 19052029). In summary, the available evidence is currently insufficient to determine the role of this variant in disease. Therefore, it has been classified as a Variant of Uncertain Significance.

Literature cited by the submitters: PubMed 23683030; PubMed 19052029.

NC_000023.10:g.(?_53276131)_(53449569_?)dup

Genes: IQSEC2 (IQ motif and Sec7 domain ArfGEF 2; minus strand), SMC1A (structural maintenance of chromosomes 1A; minus strand). Cytogenetic location: Xp11.22.
Variant type: Duplication.
Identifiers: ClinVar variation 831949 (VCV000831949.8).